The following is an entry in ClinVar:

NM_001099922.3(ALG13):c.1265G>C (p.Gly422Ala)

Gene: ALG13 (ALG13 UDP-N-acetylglucosaminyltransferase subunit; plus strand). Cytogenetic location: Xq23.
Variant type: single nucleotide variant.
Coding change: c.1265G>C on transcript NM_001099922.3 (MANE Select); coding-DNA position 1265, G replaced by C.
Protein change: p.Gly422Ala; replaces glycine 422 with alanine.
Molecular consequence: missense variant. On other transcripts: non-coding transcript variant (1).
Genome position (GRCh38, 1-based): chrX:111,720,109, G>C. VCF-style: chrX-111720109-G-C. GRCh37 (hg19) VCF-style: chrX-110963337-G-C.
Other names: c.953G>C, p.Gly318Ala (NM_001257230.2, NM_001257234.2, NM_001257237.2 and 1 more transcripts); c.1031G>C, p.Gly344Ala (NM_001257231.2); c.1265G>C, p.Gly422Ala (NM_001324292.2); short protein forms G422A, G318A, G344A.
Identifiers: ClinVar variation 3681926 (VCV003681926.2).

ClinVar aggregate classification (germline): Uncertain significance (1 of 4 stars; one submission).

Conditions:
Developmental and epileptic encephalopathy, 36 (DEE36). Also called: Congenital disorder of glycosylation, type Is; ALG13-CDG; Epileptic encephalopathy, early infantile, 36. Identifiers: Orphanet 324422, MedGen C4317295, MONDO:0010472, OMIM 300884.

Submission:

Labcorp Genetics (formerly Invitae), Labcorp
Classification: Uncertain significance for Developmental and epileptic encephalopathy, 36. Last evaluated: 2024-08-05. Review status: criteria provided, single submitter. Criteria: Invitae Variant Classification Sherloc (09022015). Collection method: clinical testing. Allele origin: germline.
Comment: This sequence change replaces glycine, which is neutral and non-polar, with alanine, which is neutral and non-polar, at codon 422 of the ALG13 protein (p.Gly422Ala). This variant is not present in population databases (gnomAD no frequency). This variant has not been reported in the literature in individuals affected with ALG13-related conditions. Advanced modeling of protein sequence and biophysical properties (such as structural, functional, and spatial information, amino acid conservation, physicochemical variation, residue mobility, and thermodynamic stability) performed at Invitae indicates that this missense variant is not expected to disrupt ALG13 protein function with a negative predictive value of 80%. In summary, the available evidence is currently insufficient to determine the role of this variant in disease. Therefore, it has been classified as a Variant of Uncertain Significance.